The following is an entry in ClinVar:

NM_000441.2(SLC26A4):c.1383G>T (p.Met461Ile)

Gene: SLC26A4 (solute carrier family 26 member 4; plus strand). Cytogenetic location: 7q22.3.
Variant type: single nucleotide variant.
Coding change: c.1383G>T on transcript NM_000441.2 (MANE Select); coding-DNA position 1383, G replaced by T.
Protein change: p.Met461Ile; replaces methionine 461 with isoleucine.
Molecular consequence: missense variant.
Genome position (GRCh38, 1-based): chr7:107,694,662, G>T. VCF-style: chr7-107694662-G-T. GRCh37 (hg19) VCF-style: chr7-107335107-G-T.
Other names: c.1383G>T (NM_000441.1); short protein forms M461I.
Identifiers: ClinVar variation 591916 (VCV000591916.2), dbSNP rs1367992231, ClinGen allele CA368840661.
Genomic context (GRCh38, chr7:107,694,662, plus strand): 5'-TCTCTGTCTCTCTTGGCAGTCGGTCTTGGCAGCTGTTGTAATTGCCAACCTGAAAGGGAT[G>T]TTTATGCAGCTGTGTGACATTCCTCGTCTGTGGAGACAGAATAAGATTGATGCTGTAAGT-3'
Protein context (NP_000432.1, residues 451-471): AAVVIANLKG[Met461Ile]FMQLCDIPRL

ClinVar aggregate classification (germline): Uncertain significance. Review status: criteria provided, single submitter (1 of 4 stars). 2 submissions from 2 submitters: Uncertain significance (1). 1 of the submissions does not count toward it. Last evaluated 2024-12-20.

Submissions (2):

GeneDx
Classification: Uncertain significance. Last evaluated: 2024-12-20. Review status: criteria provided, single submitter. Criteria: GeneDx Variant Classification Process June 2021. Collection method: clinical testing. Allele origin: germline. Affected: yes.
Comment: Not observed at significant frequency in large population cohorts (gnomAD); In silico analysis supports that this missense variant has a deleterious effect on protein structure/function; Has not been previously published as pathogenic or benign to our knowledge

Gharavi Laboratory, Columbia University
Classification: Uncertain significance. Last evaluated: 2018-09-16. Review status: no assertion criteria provided. Criteria: ACMG Guidelines, 2015. Collection method: research. Allele origin: germline. Affected: yes. Not counted in ClinVar's aggregate classification.